The following is an entry in ClinVar:

NM_000543.5(SMPD1):c.1152del (p.Met384fs)

Gene: SMPD1 (sphingomyelin phosphodiesterase 1; plus strand). Cytogenetic location: 11p15.4.
Variant type: Deletion.
Coding change: c.1152del on transcript NM_000543.5 (MANE Select); coding-DNA position 1152, one base deleted (G; older notation c.1152delG).
Protein change: p.Met384fs; shifts the reading frame from methionine 384.
Molecular consequence: frameshift variant. On other transcripts: non-coding transcript variant (1), intron variant (1).
Genome position (GRCh38, 1-based): chr11:6,393,276, G deleted. VCF-style (leftmost placement, unchanged base first): chr11-6393275-TG-T. GRCh37 (hg19) VCF-style: chr11-6414505-TG-T.
Other names: c.1149del, p.Met383fs (NM_001007593.3); c.1152del, p.Met384fs (NM_001318087.2); c.231del, p.Met77fs (NM_001318088.2); c.1132-341del (NM_001365135.2); short protein forms M383fs, M384fs, M77fs.
Identifiers: ClinVar variation 1724224 (VCV001724224.3), dbSNP rs2493813892, ClinGen allele CA2580083932.
Genomic context (GRCh38, chr11:6,393,275, plus strand): 5'-GAATTGGGGGGTTCTATGCTCTTTCCCCATACCCCGGTCTCCGCCTCATCTCTCTCAATA[TG>T]AATTTTTGTTCCCGTGAGAACTTCTGGCTCTTGATCAACTCCACGGATCCCGCAGGACAG-3'

ClinVar aggregate classification (germline): Likely pathogenic (1 of 4 stars; one submission).

Conditions:
Acid sphingomyelinase deficiency. Identifiers: Orphanet 618899, MedGen C5243927, MONDO:0100464.

Submission:

Myriad Genetics, Inc.
Classification: Likely pathogenic for Acid sphingomyelinase deficiency. Last evaluated: 2022-02-02. Review status: criteria provided, single submitter. Criteria: Myriad Autosomal Dominant, Autosomal Recessive and X-Linked Classification Criteria (2023). Collection method: clinical testing. Allele origin: unknown.
Comment: NM_000543.4(SMPD1):c.1152delG(M384Ifs*12) is expected to be pathogenic in the context of Niemann-Pick disease, SMPD1-related. This variant is predicted to lead to an abnormal or absent protein product due to the creation of a premature termination codon in SMPD1, a gene where loss-of-function variants are known to be pathogenic. Please note: this variant was assessed in the context of healthy population screening.